The following is an entry in ClinVar:

ClinVar aggregate classification (germline): Benign (0 of 4 stars; one submission).

Conditions:
DMXL1-related disorder. Also called: DMXL1-related condition.

Allele frequency attached by ClinVar (database versions not stated): ESP Exome Variant Server 0.00008; TOPMed 0.00046; gnomAD 0.00073; gnomAD exomes 0.00116; ExAC 0.00137; 1000 Genomes Project 30x 0.00312; 1000 Genomes Project 0.00399.
gnomAD v4.1: 1,781 of 1,614,140 alleles (0.11%); highest among the groups gnomAD compares: East Asian, 3.8%; 47 homozygotes.

Submission:

PreventionGenetics, part of Exact Sciences
Classification: Benign for DMXL1-related condition. Last evaluated: 2019-12-16. Review status: no assertion criteria provided. Collection method: clinical testing. Allele origin: germline.
Comment: This variant is classified as benign based on ACMG/AMP sequence variant interpretation guidelines (Richards et al. 2015 PMID: 25741868, with internal and published modifications).

NM_001290321.3(DMXL1):c.4789G>A (p.Asp1597Asn)

Gene: DMXL1 (Dmx like 1; plus strand). Cytogenetic location: 5q23.1.
Variant type: single nucleotide variant.
Coding change: c.4789G>A on transcript NM_001290321.3 (MANE Select); coding-DNA position 4789, G replaced by A.
Protein change: p.Asp1597Asn; replaces aspartic acid 1597 with asparagine.
Molecular consequence: missense variant. On other transcripts: non-coding transcript variant (3).
Genome position (GRCh38, 1-based): chr5:119,164,593, G>A. VCF-style: chr5-119164593-G-A. GRCh37 (hg19) VCF-style: chr5-118500288-G-A.
Other names: c.4789G>A, p.Asp1597Asn (NM_001349239.2, NM_001349240.2, NM_001387933.1 and 2 more transcripts); c.4084G>A, p.Asp1362Asn (NM_001387937.1); c.3802G>A, p.Asp1268Asn (NM_001387938.1); short protein forms D1268N, D1362N, D1597N.
Identifiers: ClinVar variation 3040031 (VCV003040031.2), dbSNP rs79390966, ClinGen allele CA3380212.